The following is an entry in ClinVar:

NM_206933.4(USH2A):c.2356_2357delinsAT (p.Gly786Met)

Genes: USH2A (usherin; minus strand), LOC122152296 (Sharpr-MPRA regulatory region 8762; plus strand). Cytogenetic location: 1q41.
Variant type: Indel.
Coding change: c.2356_2357delinsAT on transcript NM_206933.4 (MANE Select); coding-DNA positions 2356 to 2357, GG replaced by AT.
Protein change: p.Gly786Met; replaces glycine 786 with methionine.
Molecular consequence: missense variant.
Genome position (GRCh38, 1-based): chr1:216,247,037-216,247,038, CC replaced by AT on the plus strand (GG replaced by AT on the coding strand, the reverse complement: USH2A is on the minus strand). VCF-style: chr1-216247037-CC-AT. GRCh37 (hg19) VCF-style: chr1-216420379-CC-AT.
Other names: c.2356_2357delinsAT, p.Gly786Met (NM_007123.6); short protein forms G786M.
Identifiers: ClinVar variation 2050603 (VCV002050603.4), dbSNP rs2528163227, ClinGen allele CA2580062140.

ClinVar aggregate classification (germline): Uncertain significance (1 of 4 stars; one submission).

Submission:

Labcorp Genetics (formerly Invitae), Labcorp
Classification: Uncertain significance. Last evaluated: 2021-12-20. Review status: criteria provided, single submitter. Criteria: Invitae Variant Classification Sherloc (09022015). Collection method: clinical testing. Allele origin: germline.
Comment: In summary, the available evidence is currently insufficient to determine the role of this variant in disease. Therefore, it has been classified as a Variant of Uncertain Significance. This sequence change replaces glycine, which is neutral and non-polar, with methionine, which is neutral and non-polar, at codon 786 of the USH2A protein (p.Gly786Met). Information on the frequency of this variant in the gnomAD database is not available, as this variant may be reported differently in the database. This variant has not been reported in the literature in individuals affected with USH2A-related conditions. Algorithms developed to predict the effect of missense changes on protein structure and function are either unavailable or do not agree on the potential impact of this missense change (SIFT: "Not Available"; PolyPhen-2: "Probably Damaging"; Align-GVGD: "Not Available").